The following is an entry in ClinVar:

ClinVar aggregate classification (germline): Likely benign. Review status: criteria provided, multiple submitters, no conflicts (2 of 4 stars). 3 submissions from 3 submitters: Likely benign (3). Last evaluated 2026-02-01.

Conditions:
AP3D1-related disorder. Also called: AP3D1-related condition.

Allele frequency attached by ClinVar (database versions not stated): gnomAD exomes 0.00003 and 0.00006; ExAC 0.00006; gnomAD 0.00014 and 0.00016; ESP Exome Variant Server 0.00016; TOPMed 0.00023.
gnomAD v4.1: 67 of 1,613,184 alleles (0.0042%); highest among the groups gnomAD compares: African/African-American, 0.068%; no homozygotes.

Submissions (3):

Labcorp Genetics (formerly Invitae), Labcorp
Classification: Likely benign. Last evaluated: 2026-02-01. Review status: criteria provided, single submitter. Criteria: Invitae Variant Classification Sherloc (09022015). Collection method: clinical testing. Allele origin: germline.

PreventionGenetics, part of Exact Sciences
Classification: Likely benign for AP3D1-related condition. Last evaluated: 2025-06-04. Review status: criteria provided, single submitter. Criteria: ACMG Guidelines, 2015. Collection method: clinical testing. Allele origin: germline.
Comment: This variant is classified as likely benign based on ACMG/AMP sequence variant interpretation guidelines (Richards et al. 2015 PMID: 25741868, with internal and published modifications).

Blueprint Genetics
Classification: Likely benign. Last evaluated: 2021-06-26. Review status: criteria provided, single submitter. Criteria: ACMG Guidelines, 2015. Collection method: clinical testing. Allele origin: germline.

NM_001261826.3(AP3D1):c.2124C>T (p.Asp708=)

Gene: AP3D1 (adaptor related protein complex 3 subunit delta 1; minus strand). Cytogenetic location: 19p13.3.
Variant type: single nucleotide variant.
Coding change: c.2124C>T on transcript NM_001261826.3 (MANE Select); coding-DNA position 2124, C replaced by T.
Protein change: p.Asp708=; no amino-acid change (aspartic acid 708 retained).
Molecular consequence: synonymous variant.
Genome position (GRCh38, 1-based): chr19:2,115,563, G>A on the plus strand (C>T on the coding strand, the complement: AP3D1 is on the minus strand). VCF-style: chr19-2115563-G-A. GRCh37 (hg19) VCF-style: chr19-2115562-G-A.
Other names: c.2124C>T, p.Asp708= (NM_001374799.1, NM_003938.8); c.2124C>T (NM_001261826.1).
Identifiers: ClinVar variation 1583607 (VCV001583607.10), dbSNP rs368404885, ClinGen allele CA9059016.
Genomic context (GRCh38, chr19:2,115,563, plus strand): 5'-GACAAATGCGGCGCCGACACACCGGAGACACTTGCCTGGAACCTTCAAGGGGACGGAGAG[G>A]TCAATCTGCACCACGGGAATGTGCTCCACGCCCGGGGTGTCCTGGTACCGCTGCAAAGGC-3'
Protein context (NP_001248755.1, residues 698-718): GVEHIPVVQI[Asp708=]LSVPLKVPGL